The following is an entry in ClinVar:

NM_013432.5(TONSL):c.2392G>A (p.Gly798Ser)

Genes: TONSL (tonsoku like, DNA repair protein; minus strand), TONSL-AS1 (TONSL antisense RNA 1; plus strand). Cytogenetic location: 8q24.3.
Variant type: single nucleotide variant.
Coding change: c.2392G>A on transcript NM_013432.5 (MANE Select); coding-DNA position 2392, G replaced by A.
Protein change: p.Gly798Ser; replaces glycine 798 with serine.
Molecular consequence: missense variant.
Genome position (GRCh38, 1-based): chr8:144,436,041, C>T on the plus strand (G>A on the coding strand, the complement: TONSL is on the minus strand). VCF-style: chr8-144436041-C-T. GRCh37 (hg19) VCF-style: chr8-145661424-C-T.
Other names: short protein forms G798S.
Identifiers: ClinVar variation 1964617 (VCV001964617.5), dbSNP rs760283273, ClinGen allele CA4942844.

ClinVar aggregate classification (germline): Uncertain significance (1 of 4 stars; one submission).

Allele frequency attached by ClinVar (database versions not stated): TOPMed 0.00001; ExAC 0.00002.

Submission:

Labcorp Genetics (formerly Invitae), Labcorp
Classification: Uncertain significance. Last evaluated: 2021-12-21. Review status: criteria provided, single submitter. Criteria: Invitae Variant Classification Sherloc (09022015). Collection method: clinical testing. Allele origin: germline.
Comment: Algorithms developed to predict the effect of missense changes on protein structure and function output the following: SIFT: "Tolerated"; PolyPhen-2: "Benign"; Align-GVGD: "Class C0". The serine amino acid residue is found in multiple mammalian species, which suggests that this missense change does not adversely affect protein function. This variant has not been reported in the literature in individuals affected with TONSL-related conditions. The frequency data for this variant in the population databases is considered unreliable, as metrics indicate poor data quality at this position in the gnomAD database. This sequence change replaces glycine, which is neutral and non-polar, with serine, which is neutral and polar, at codon 798 of the TONSL protein (p.Gly798Ser). In summary, the available evidence is currently insufficient to determine the role of this variant in disease. Therefore, it has been classified as a Variant of Uncertain Significance.